The following is an entry in ClinVar:

NM_021870.3(FGG):c.667-1G>T

Gene: FGG (fibrinogen gamma chain; minus strand). Cytogenetic location: 4q32.1.
Variant type: single nucleotide variant.
Coding change: c.667-1G>T on transcript NM_021870.3 (MANE Select); the canonical splice acceptor site of the intron before coding-DNA position 667, G replaced by T.
Molecular consequence: splice acceptor variant.
Genome position (GRCh38, 1-based): chr4:154,608,651, C>A on the plus strand (G>T on the coding strand, the complement: FGG is on the minus strand). VCF-style: chr4-154608651-C-A. GRCh37 (hg19) VCF-style: chr4-155529803-C-A.
Other names: p.?; c.667-1G>T (NM_000509.6).
Identifiers: ClinVar variation 3391442 (VCV003391442.1).
Genomic context (GRCh38, chr4:154,608,651, plus strand): 5'-TCCAAATCCTTCTTTATATTGAATCCAGTTTTTCTTGAAATCTACACTGCCATCAAGTCT[C>A]TAATTACACATTTGCAAGAGCAAAAGGAGAAAATAGACTATCAATGCATGTAAAGAGAAT-3'

ClinVar aggregate classification (germline): Likely pathogenic (1 of 4 stars; one submission).

Submission:

Mayo Clinic Laboratories, Mayo Clinic
Classification: Likely pathogenic. Last evaluated: 2024-01-29. Review status: criteria provided, single submitter. Criteria: ACMG Guidelines, 2015. Collection method: clinical testing. Allele origin: germline.
Comment: PM2_moderate, PVS1